The following is an entry in ClinVar:

NM_052947.4(ALPK2):c.3899C>T (p.Pro1300Leu)

Genes: ALPK2 (alpha kinase 2; minus strand), LOC126862764 (BRD4-independent group 4 enhancer GRCh37_chr18:56202574-56203773; plus strand). Cytogenetic location: 18q21.31.
Variant type: single nucleotide variant.
Coding change: c.3899C>T on transcript NM_052947.4 (MANE Select); coding-DNA position 3899, C replaced by T.
Protein change: p.Pro1300Leu; replaces proline 1300 with leucine.
Molecular consequence: missense variant.
Genome position (GRCh38, 1-based): chr18:58,536,288, G>A on the plus strand (C>T on the coding strand, the complement: ALPK2 is on the minus strand). VCF-style: chr18-58536288-G-A. GRCh37 (hg19) VCF-style: chr18-56203520-G-A.
Other names: short protein forms P1300L.
Identifiers: ClinVar variation 2449300 (VCV002449300.2), dbSNP rs2518875773, ClinGen allele CA402565265.

ClinVar aggregate classification (germline): Uncertain significance (1 of 4 stars; one submission).

Submission:

Ambry Genetics
Classification: Uncertain significance. Last evaluated: 2023-02-28. Review status: criteria provided, single submitter. Criteria: Ambry Variant Classification Scheme 2023. Collection method: clinical testing. Allele origin: germline.
Comment: The p.P1300L variant (also known as c.3899C>T), located in coding exon 4 of the ALPK2 gene, results from a C to T substitution at nucleotide position 3899. The proline at codon 1300 is replaced by leucine, an amino acid with similar properties. This amino acid position is conserved. In addition, this alteration is predicted to be tolerated by in silico analysis. Since supporting evidence is limited at this time, the clinical significance of this alteration remains unclear.